The following is an entry in ClinVar:

NM_015692.5(CPAMD8):c.3724del (p.Gln1242fs)

Gene: CPAMD8 (C3 and PZP like alpha-2-macroglobulin domain containing 8; minus strand). Cytogenetic location: 19p13.11.
Variant type: Deletion.
Coding change: c.3724del on transcript NM_015692.5 (MANE Select); coding-DNA position 3724, one base deleted (C; older notation c.3724delC).
Protein change: p.Gln1242fs; shifts the reading frame from glutamine 1242.
Molecular consequence: frameshift variant.
Genome position (GRCh38, 1-based): chr19:16,914,719, G deleted on the plus strand (C on the coding strand, the reverse complement: CPAMD8 is on the minus strand); the first of 2 consecutive G bases (chr19:16,914,719-16,914,720); deleting either gives the same sequence. VCF-style (leftmost placement, unchanged base first): chr19-16914718-TG-T. GRCh37 (hg19) VCF-style: chr19-17025528-TG-T.
Other names: short protein forms Q1242fs.
Identifiers: ClinVar variation 2634581 (VCV002634581.1), dbSNP rs774658933, ClinGen allele CA9284887.
Genomic context (GRCh38, chr19:16,914,718, plus strand): 5'-TGGATGTCCTTGTTCAGGACCCTGCCCACGGCCAGGAAGGAGCCATCGGCCTGCTGCTGC[TG>T]GATGATCCAGCTCTTGGCGGCAGCCAGCTCCCGGGGGTCCACGAAGATAAAGCTGCGAGC-3'

ClinVar aggregate classification (germline): Likely pathogenic (1 of 4 stars; one submission).

Conditions:
CPAMD8-related disorder. Also called: CPAMD8-related condition.

Submission:

PreventionGenetics, part of Exact Sciences
Classification: Likely pathogenic for CPAMD8-related condition. Last evaluated: 2023-05-18. Review status: criteria provided, single submitter. Criteria: ACMG Guidelines, 2015. Collection method: clinical testing. Allele origin: germline.
Comment: The CPAMD8 c.3865delC variant is predicted to result in a frameshift and premature protein termination (p.Gln1289Serfs*16). To our knowledge, this variant has not been reported in the literature. This variant is reported in 0.0018% of alleles in individuals of European (Non-Finnish) descent in gnomAD. Frameshift variants in CPAMD8 are expected to be pathogenic. This variant is interpreted as likely pathogenic.